The following is an entry in ClinVar:

ClinVar aggregate classification (germline): Conflicting classifications of pathogenicity. Review status: criteria provided, conflicting classifications (1 of 4 stars). 3 submissions from 3 submitters: Uncertain significance (2); Likely benign (1). Last evaluated 2023-04-27.

gnomAD v4.1: 34 of 1,551,418 alleles (0.0022%); highest among the groups gnomAD compares: African/African-American, 0.0096%; no homozygotes.

Submissions (3):

Blueprint Genetics
Classification: Likely benign. Last evaluated: 2023-04-27. Review status: criteria provided, single submitter. Criteria: ACMG Guidelines, 2015. Collection method: clinical testing. Allele origin: germline.

Labcorp Genetics (formerly Invitae), Labcorp
Classification: Uncertain significance. Last evaluated: 2022-02-05. Review status: criteria provided, single submitter. Criteria: Invitae Variant Classification Sherloc (09022015). Collection method: clinical testing. Allele origin: germline.
Comment: This variant is present in population databases (no rsID available, gnomAD 0.02%). In summary, the available evidence is currently insufficient to determine the role of this variant in disease. Therefore, it has been classified as a Variant of Uncertain Significance. Algorithms developed to predict the effect of missense changes on protein structure and function output the following: SIFT: "Tolerated"; PolyPhen-2: "Benign"; Align-GVGD: "Class C0". The threonine amino acid residue is found in multiple mammalian species, which suggests that this missense change does not adversely affect protein function. This variant has not been reported in the literature in individuals affected with HSPG2-related conditions. This sequence change replaces alanine, which is neutral and non-polar, with threonine, which is neutral and polar, at codon 4071 of the HSPG2 protein (p.Ala4071Thr).

Revvity Omics, Revvity
Classification: Uncertain significance. Last evaluated: 2020-01-10. Review status: criteria provided, single submitter. Criteria: ACMG Guidelines, 2015. Collection method: clinical testing. Allele origin: germline.

NM_005529.7(HSPG2):c.12211G>A (p.Ala4071Thr)

Gene: HSPG2 (heparan sulfate proteoglycan 2; minus strand). Cytogenetic location: 1p36.12.
Variant type: single nucleotide variant.
Coding change: c.12211G>A on transcript NM_005529.7 (MANE Select); coding-DNA position 12211, G replaced by A.
Protein change: p.Ala4071Thr; replaces alanine 4071 with threonine.
Molecular consequence: missense variant.
Genome position (GRCh38, 1-based): chr1:21,828,861, C>T on the plus strand (G>A on the coding strand, the complement: HSPG2 is on the minus strand). VCF-style: chr1-21828861-C-T. GRCh37 (hg19) VCF-style: chr1-22155354-C-T.
Other names: c.12211G>A (NM_005529.5); c.12214G>A, p.Ala4072Thr (NM_001291860.2); short protein forms A4072T, A4071T.
Identifiers: ClinVar variation 1388675 (VCV001388675.11), dbSNP rs761160862, ClinGen allele CA19090979.